The following is an entry in ClinVar:

ClinVar aggregate classification (germline): Benign. Review status: criteria provided, multiple submitters, no conflicts (2 of 4 stars). 3 submissions from 3 submitters: Benign (2). 1 of the submissions does not count toward it. Last evaluated 2019-12-31.

Conditions:
ADAT3-related disorder. Also called: ADAT3-related condition.

Allele frequency attached by ClinVar (database versions not stated): ExAC 0.00137; 1000 Genomes Project 30x 0.01515; gnomAD 0.01358 and 0.01263; 1000 Genomes Project 0.01358; gnomAD exomes 0.00149; TOPMed 0.01455.
gnomAD v4.1: 3,550 of 1,513,786 alleles (0.23%); highest among the groups gnomAD compares: African/African-American, 4.5%; 72 homozygotes.

Submissions (3):

Labcorp Genetics (formerly Invitae), Labcorp
Classification: Benign. Last evaluated: 2019-12-31. Review status: criteria provided, single submitter. Criteria: Invitae Variant Classification Sherloc (09022015). Collection method: clinical testing. Allele origin: germline.

Breakthrough Genomics
Classification: Benign. Review status: criteria provided, single submitter. Criteria: ACMG Guidelines, 2015. Collection method: not provided. Allele origin: germline. Inheritance: Autosomal recessive inheritance. Affected: yes.

PreventionGenetics, part of Exact Sciences
Classification: Benign for ADAT3-related condition. Last evaluated: 2019-09-19. Review status: no assertion criteria provided. Collection method: clinical testing. Allele origin: germline. Not counted in ClinVar's aggregate classification.
Comment: This variant is classified as benign based on ACMG/AMP sequence variant interpretation guidelines (Richards et al. 2015 PMID: 25741868, with internal and published modifications).

NM_138422.4(ADAT3):c.363G>A (p.Ser121=)

Genes: ADAT3 (adenosine deaminase tRNA specific 3; plus strand), SCAMP4 (secretory carrier membrane protein 4; plus strand). Cytogenetic location: 19p13.3.
Variant type: single nucleotide variant.
Coding change: c.363G>A on transcript NM_138422.4 (MANE Select); coding-DNA position 363, G replaced by A.
Protein change: p.Ser121=; no amino-acid change (serine 121 retained).
Molecular consequence: synonymous variant. On other transcripts: intron variant (3).
Genome position (GRCh38, 1-based): chr19:1,912,410, G>A. VCF-style: chr19-1912410-G-A. GRCh37 (hg19) VCF-style: chr19-1912409-G-A.
Other names: c.315G>A, p.Ser105= (NM_001329533.2); c.-41-2569G>A (NM_079834.4, NM_001329540.2); c.-125-5284G>A (NM_001329539.2).
Identifiers: ClinVar variation 781375 (VCV000781375.7), dbSNP rs576864116, ClinGen allele CA9054545.